The following is an entry in ClinVar:

ClinVar aggregate classification (germline): Uncertain significance (1 of 4 stars; one submission).

Conditions:
Inborn genetic diseases. Identifiers: MedGen C0950123, MeSH D030342.

gnomAD v4.1: 4 of 1,614,198 alleles (0.00025%); highest among the groups gnomAD compares: Non-Finnish European, 0.00034%; no homozygotes.

Submission:

Ambry Genetics
Classification: Uncertain significance for Inborn genetic diseases. Last evaluated: 2026-01-05. Review status: criteria provided, single submitter. Criteria: Ambry Variant Classification Scheme 2023. Collection method: clinical testing. Allele origin: germline.
Comment: The c.2774A>G (p.Q925R) alteration is located in exon 17 (coding exon 17) of the TCOF1 gene. This alteration results from a A to G substitution at nucleotide position 2774, causing the glutamine (Q) at amino acid position 925 to be replaced by an arginine (R). Based on data from gnomAD, the G allele has an overall frequency of <0.001% (1/251226) total alleles studied. The highest observed frequency was 0.001% (1/113544) of European (non-Finnish) alleles. Based on insufficient or conflicting evidence, the clinical significance of this alteration remains unclear.

NM_001371623.1(TCOF1):c.2774A>G (p.Gln925Arg)

Gene: TCOF1 (treacle ribosome biogenesis factor 1; plus strand). Cytogenetic location: 5q32.
Variant type: single nucleotide variant.
Coding change: c.2774A>G on transcript NM_001371623.1 (MANE Select); coding-DNA position 2774, A replaced by G.
Protein change: p.Gln925Arg; replaces glutamine 925 with arginine.
Molecular consequence: missense variant.
Genome position (GRCh38, 1-based): chr5:150,379,647, A>G. VCF-style: chr5-150379647-A-G. GRCh37 (hg19) VCF-style: chr5-149759210-A-G.
Other names: c.2543A>G, p.Gln848Arg (NM_000356.4, NM_001135245.2, NM_001437406.1); c.2774A>G, p.Gln925Arg (NM_001008657.3, NM_001135243.2, NM_001135244.2 and 1 more transcripts); short protein forms Q848R, Q925R.
Identifiers: ClinVar variation 4829884 (VCV004829884.1).
Genomic context (GRCh38, chr5:150,379,647, plus strand): 5'-AGTCCCCCAGGAAAGGGGCTGCCCCAACACCTCCTGGGAAGACAGGGCCTTCGGCTGCCC[A>G]GGCAGGGAAGCAGGATGACTCAGGGAGCAGCAGCGAGGAATCAGACAGTGATGGGGAGGC-3'
Protein context (NP_001358552.1, residues 915-935): PPGKTGPSAA[Gln925Arg]AGKQDDSGSS